The following is an entry in ClinVar:

NM_001042424.3(NSD2):c.540G>T (p.Glu180Asp)

Gene: NSD2 (nuclear receptor binding SET domain protein 2; plus strand). Cytogenetic location: 4p16.3.
Variant type: single nucleotide variant.
Coding change: c.540G>T on transcript NM_001042424.3 (MANE Select); coding-DNA position 540, G replaced by T.
Protein change: p.Glu180Asp; replaces glutamic acid 180 with aspartic acid.
Molecular consequence: missense variant.
Genome position (GRCh38, 1-based): chr4:1,901,194, G>T. VCF-style: chr4-1901194-G-T. GRCh37 (hg19) VCF-style: chr4-1902921-G-T.
Other names: c.540G>T, p.Glu180Asp (NM_007331.2, NM_133330.3, NM_133331.3 and 2 more transcripts); short protein forms E180D.
Identifiers: ClinVar variation 3251767 (VCV003251767.1), dbSNP rs1352348277.

ClinVar aggregate classification (germline): Uncertain significance (1 of 4 stars; one submission).

Allele frequency attached by ClinVar (database versions not stated): gnomAD exomes below 0.00001.
gnomAD v4.1: 1 of 1,608,198 alleles (0.000062%); highest among the groups gnomAD compares: Admixed American, 0.0017%; no homozygotes.

Submission:

Women's Health and Genetics/Laboratory Corporation of America, LabCorp
Classification: Uncertain significance. Last evaluated: 2024-04-23. Review status: criteria provided, single submitter. Criteria: LabCorp Variant Classification Summary - May 2015. Collection method: clinical testing. Allele origin: germline.
Comment: Variant summary: NSD2 c.540G>T (p.Glu180Asp) results in a conservative amino acid change in the encoded protein sequence. Three of five in-silico tools predict a damaging effect of the variant on protein function. The variant allele was found at a frequency of 4.1e-06 in 243028 control chromosomes. The available data on variant occurrences in the general population are insufficient to allow any conclusion about variant significance. To our knowledge, no occurrence of c.540G>T in individuals affected with Rauch-Steindl Syndrome and no experimental evidence demonstrating its impact on protein function have been reported. No submitters have cited clinical-significance assessments for this variant to ClinVar. Based on the evidence outlined above, the variant was classified as uncertain significance.